The following is an entry in ClinVar:

ClinVar aggregate classification (germline): Benign (1 of 4 stars; one submission).

Allele frequency attached by ClinVar (database versions not stated): 1000 Genomes Project 0.22724; 1000 Genomes Project 30x 0.22829; gnomAD 0.23544 and 0.24069; TOPMed 0.23816.

Submission:

GeneDx
Classification: Benign. Last evaluated: 2018-06-19. Review status: criteria provided, single submitter. Criteria: GeneDx Variant Classification (06012015). Collection method: clinical testing. Allele origin: germline. Affected: yes.
Comment: This variant is considered likely benign or benign based on one or more of the following criteria: it is a conservative change, it occurs at a poorly conserved position in the protein, it is predicted to be benign by multiple in silico algorithms, and/or has population frequency not consistent with disease.

NM_000642.3(AGL):c.665-168A>G

Gene: AGL (amylo-alpha-1,6-glucosidase and 4-alpha-glucanotransferase; plus strand). Cytogenetic location: 1p21.2.
Variant type: single nucleotide variant.
Coding change: c.665-168A>G on transcript NM_000642.3 (MANE Select); 168 bases into the intron before coding-DNA position 665, A replaced by G.
Molecular consequence: intron variant.
Genome position (GRCh38, 1-based): chr1:99,870,232, A>G. VCF-style: chr1-99870232-A-G. GRCh37 (hg19) VCF-style: chr1-100335788-A-G.
Other names: c.665-168A>G (NM_000643.3, NM_000644.3, NM_001425326.1 and 3 more transcripts); c.617-168A>G (NM_000646.3); c.461-168A>G (NM_001425328.1, NM_001425329.1); c.287-168A>G (NM_001425332.1).
Identifiers: ClinVar variation 679283 (VCV000679283.1), dbSNP rs67875069, ClinGen allele CA10970302.
Genomic context (GRCh38, chr1:99,870,232, plus strand): 5'-TTCTAAGCAGAATTAAAGTTAGAAAAAAAAAAAGTATGCTGAAGCGAATGATAGGATACC[A>G]TAACCAAAGAAAAAACTTTTCCTGTAACAGTATCATCGTAAAATTGATGTCCAATATAGA-3'